The following is an entry in ClinVar:

ClinVar aggregate classification (germline): Benign/Likely benign. Review status: criteria provided, multiple submitters, no conflicts (2 of 4 stars). 6 submissions from 6 submitters: Benign (5); Likely benign (1). Last evaluated 2026-06-01.

Conditions:
Cone-rod dystrophy 5 (CORD5). Identifiers: Orphanet 1872, MedGen C1832976, MONDO:0010969, OMIM 600977.

Allele frequency attached by ClinVar (database versions not stated): 1000 Genomes Project 0.00379; 1000 Genomes Project 30x 0.00390; gnomAD 0.00671 and 0.00707; gnomAD exomes 0.00778 and 0.00919; ExAC 0.00801; ESP Exome Variant Server 0.00823; TOPMed 0.00828.
gnomAD v4.1: 14,440 of 1,614,006 alleles (0.89%); highest among the groups gnomAD compares: Middle Eastern, 1.2%; 87 homozygotes.

Submissions (6):

CeGaT Center for Human Genetics Tuebingen
Classification: Benign. Last evaluated: 2026-06-01. Review status: criteria provided, single submitter. Criteria: CeGaT Center For Human Genetics Tuebingen Variant Classification Criteria Version 2. Collection method: clinical testing. Allele origin: germline. Affected: yes. Observed: 5 variant alleles.
Comment: PITPNM3: BP4, BP7, BS1, BS2

Labcorp Genetics (formerly Invitae), Labcorp
Classification: Benign. Last evaluated: 2026-02-01. Review status: criteria provided, single submitter. Criteria: Invitae Variant Classification Sherloc (09022015). Collection method: clinical testing. Allele origin: germline.

Fulgent Genetics
Classification: Likely benign for Cone-rod dystrophy 5. Last evaluated: 2021-09-01. Review status: criteria provided, single submitter. Criteria: ACMG Guidelines, 2015. Collection method: clinical testing. Allele origin: unknown.

Illumina Laboratory Services, Illumina
Classification: Benign for Cone-rod dystrophy 5. Last evaluated: 2018-01-13. Review status: criteria provided, single submitter. Criteria: ICSL Variant Classification Criteria 13 December 2019. Collection method: clinical testing. Allele origin: germline.
Comment: This variant was observed in the ICSL laboratory as part of a predisposition screen in an ostensibly healthy population. It had not been previously curated by ICSL or reported in the Human Gene Mutation Database (HGMD: prior to June 1st, 2018), and was therefore a candidate for classification through an automated scoring system. Utilizing variant allele frequency, disease prevalence and penetrance estimates, and inheritance mode, an automated score was calculated to assess if this variant is too frequent to cause the disease. Based on the score and internal cut-off values, a variant classified as benign is not then subjected to further curation. The score for this variant resulted in a classification of benign for this disease.

Breakthrough Genomics
Classification: Benign. Review status: criteria provided, single submitter. Criteria: ACMG Guidelines, 2015. Collection method: not provided. Allele origin: germline. Inheritance: Autosomal dominant inheritance. Affected: yes.

PreventionGenetics, part of Exact Sciences
Classification: Benign. Review status: criteria provided, single submitter. Criteria: ACMG Guidelines, 2015. Collection method: clinical testing. Allele origin: germline.

NM_031220.4(PITPNM3):c.699C>T (p.Val233=)

Gene: PITPNM3 (PITPNM family member 3; minus strand). Cytogenetic location: 17p13.2.
Variant type: single nucleotide variant.
Coding change: c.699C>T on transcript NM_031220.4 (MANE Select); coding-DNA position 699, C replaced by T.
Protein change: p.Val233=; no amino-acid change (valine 233 retained).
Molecular consequence: synonymous variant.
Genome position (GRCh38, 1-based): chr17:6,478,625, G>A on the plus strand (C>T on the coding strand, the complement: PITPNM3 is on the minus strand). VCF-style: chr17-6478625-G-A. GRCh37 (hg19) VCF-style: chr17-6381945-G-A.
Other names: c.591C>T, p.Val197= (NM_001165966.2).
Identifiers: ClinVar variation 261950 (VCV000261950.42), dbSNP rs149964592, ClinGen allele CA8329768.
Genomic context (GRCh38, chr17:6,478,625, plus strand): 5'-CCCATCAGAGGACTTCAGGAACTCTCTGTAGACCTGGTTGGCTCGCTCGATGACGGTGGC[G>A]ACAGCATCCTGGTACTGCGGGGAGGAGATGGCCAACAGGGGAAGGGCGGCCAGAGGGACG-3'
Protein context (NP_112497.2, residues 223-243): AISSPQYQDA[Val233=]ATVIERANQV